The following is an entry in ClinVar:

NM_182641.4(BPTF):c.6867TCAGCCTGAAGTTCAGAC[1] (p.2291PEVQTQ[1])

Gene: BPTF (bromodomain PHD finger transcription factor; plus strand). Cytogenetic location: 17q24.2.
Variant type: Microsatellite.
Coding change: c.6867TCAGCCTGAAGTTCAGAC[1] on transcript NM_182641.4 (MANE Select); one copy of the 18-base unit TCAGCCTGAAGTTCAGAC starting at c.6867; the reference has two copies in a row; one copy, 18 bases deleted.
Protein change: p.2291PEVQTQ[1].
Molecular consequence: inframe deletion.
Genome position (GRCh38, 1-based): chr17:67,945,593-67,945,610, TCAGCCTGAAGTTCAGAC deleted; deleting any 18 consecutive bases within chr17:67,945,574-67,945,610 gives the same sequence; the position shown is the placement nearest the transcript's 3' end. VCF-style (leftmost placement, unchanged base first): chr17-67945573-GCTCAGCCTGAAGTTCAGA-G. GRCh37 (hg19) VCF-style: chr17-65941689-GCTCAGCCTGAAGTTCAGA-G.
Other names: c.7245TCAGCCTGAAGTTCAGAC[1], p.2417PEVQTQ[1] (NM_004459.7).
Identifiers: ClinVar variation 2901689 (VCV002901689.3), dbSNP rs781943191, ClinGen allele CA8726295.
Genomic context (GRCh38, chr17:67,945,573, plus strand): 5'-CAGCCACAGACTGCTCAGCCTTCAGCTCAGCCCCAGCCCCAAACCCAGCCCCAGTCCCCA[GCTCAGCCTGAAGTTCAGA>G]CTCAGCCTGAAGTTCAGACCCAAACAACTGTTTCATCCCATGTCCCTTCTGAAGCACAAC-3'

ClinVar aggregate classification (germline): Uncertain significance (1 of 4 stars; one submission).

Submission:

Labcorp Genetics (formerly Invitae), Labcorp
Classification: Uncertain significance. Last evaluated: 2024-10-29. Review status: criteria provided, single submitter. Criteria: Invitae Variant Classification Sherloc (09022015). Collection method: clinical testing. Allele origin: germline.
Comment: This variant, c.7263_7280del, results in the deletion of 6 amino acid(s) of the BPTF protein (p.Pro2423_Gln2428del), but otherwise preserves the integrity of the reading frame. This variant is present in population databases (rs782309072, gnomAD 0.02%). This variant has not been reported in the literature in individuals affected with BPTF-related conditions. Experimental studies and prediction algorithms are not available or were not evaluated, and the functional significance of this variant is currently unknown. In summary, the available evidence is currently insufficient to determine the role of this variant in disease. Therefore, it has been classified as a Variant of Uncertain Significance.